The following is an entry in ClinVar:

ClinVar aggregate classification (germline): Conflicting classifications of pathogenicity. Review status: criteria provided, conflicting classifications (1 of 4 stars). 3 submissions from 3 submitters: Uncertain significance (1); Benign (1). 1 of the submissions does not count toward it. Last evaluated 2025-09-13.

Conditions:
Inborn genetic diseases. Identifiers: MedGen C0950123, MeSH D030342.
GANAB-related disorder. Also called: GANAB-related condition.

Allele frequency attached by ClinVar (database versions not stated): gnomAD 0.00003 and 0.00004; TOPMed 0.00003; gnomAD exomes 0.00004 and 0.00016; ExAC 0.00013.
gnomAD v4.1: 65 of 1,613,578 alleles (0.004%); highest among the groups gnomAD compares: Admixed American, 0.072%; 1 homozygote.

Submissions (3):

Labcorp Genetics (formerly Invitae), Labcorp
Classification: Benign. Last evaluated: 2025-09-13. Review status: criteria provided, single submitter. Criteria: Invitae Variant Classification Sherloc (09022015). Collection method: clinical testing. Allele origin: germline.

Ambry Genetics
Classification: Uncertain significance for Inborn genetic diseases. Last evaluated: 2022-05-18. Review status: criteria provided, single submitter. Criteria: Ambry Variant Classification Scheme 2023. Collection method: clinical testing. Allele origin: germline.

PreventionGenetics, part of Exact Sciences
Classification: Uncertain significance for GANAB-related condition. Last evaluated: 2024-06-18. Review status: no assertion criteria provided. Collection method: clinical testing. Allele origin: germline. Not counted in ClinVar's aggregate classification.
Comment: The GANAB c.2635C>T variant is predicted to result in the amino acid substitution p.Arg879Cys. To our knowledge, this variant has not been reported in the literature. This variant is reported in 0.10% of alleles in individuals of Latino descent in gnomAD. Although we suspect that this variant may be benign, at this time, the clinical significance of this variant is uncertain due to the absence of conclusive functional and genetic evidence.

NM_198334.3(GANAB):c.2569C>T (p.Arg857Cys)

Gene: GANAB (glucosidase II alpha subunit; minus strand). Cytogenetic location: 11q12.3.
Variant type: single nucleotide variant.
Coding change: c.2569C>T on transcript NM_198334.3 (MANE Select); coding-DNA position 2569, C replaced by T.
Protein change: p.Arg857Cys; replaces arginine 857 with cysteine.
Molecular consequence: missense variant.
Genome position (GRCh38, 1-based): chr11:62,626,390, G>A on the plus strand (C>T on the coding strand, the complement: GANAB is on the minus strand). VCF-style: chr11-62626390-G-A. GRCh37 (hg19) VCF-style: chr11-62393862-G-A.
Other names: c.2635C>T (NM_198335.3, NM_198335.2); c.2293C>T, p.Arg765Cys (NM_001278192.2); c.2227C>T, p.Arg743Cys (NM_001278193.2); c.2278C>T, p.Arg760Cys (NM_001278194.2, NM_001329222.2, NM_001329223.2); c.1846C>T, p.Arg616Cys (NM_001329224.2, NM_001329225.2); c.2635C>T, p.Arg879Cys (NM_198335.4); short protein forms R616C, R743C, R760C, R765C, R857C, R879C.
Identifiers: ClinVar variation 1600739 (VCV001600739.10), dbSNP rs777546492, ClinGen allele CA6050409.